The following is an entry in ClinVar:

NM_015898.4(ZBTB7A):c.-6C>T

Gene: ZBTB7A (zinc finger and BTB domain containing 7A; minus strand). Cytogenetic location: 19p13.3.
Variant type: single nucleotide variant.
Coding change: c.-6C>T on transcript NM_015898.4 (MANE Select); 6 bases upstream of the start codon, C replaced by T.
Molecular consequence: 5 prime UTR variant.
Genome position (GRCh38, 1-based): chr19:4,055,238, G>A on the plus strand (C>T on the coding strand, the complement: ZBTB7A is on the minus strand). VCF-style: chr19-4055238-G-A. GRCh37 (hg19) VCF-style: chr19-4055236-G-A.
Other names: c.-6C>T (NM_001317990.2).
Identifiers: ClinVar variation 4848205 (VCV004848205.1).
Genomic context (GRCh38, chr19:4,055,238, plus strand): 5'-CGCTGCTGTGGTCGGGGAACGGGATCCCGATGGGGCCGTCCACGCCGCCGGCCATCTTCC[G>A]CGCCGAGACCTGCAGCAGTGGGGAAGGAGAGGGCGCTCGTGAGTGGGGGTGCGGGGGTTC-3'

ClinVar aggregate classification (germline): Uncertain significance (1 of 4 stars; one submission).

Submission:

Women's Health and Genetics/Laboratory Corporation of America, LabCorp
Classification: Uncertain significance. Last evaluated: 2026-02-20. Review status: criteria provided, single submitter. Criteria: LabCorp Variant Classification Summary - May 2015. Collection method: clinical testing. Allele origin: germline.
Comment: Variant summary: ZBTB7A c.-6C>T is located in the untranslated mRNA region upstream of the initiation codon. The variant allele was found at a frequency of 4e-06 in 1487214 control chromosomes. The available data on variant occurrences in the general population are insufficient to allow any conclusion about variant significance. To our knowledge, no occurrence of c.-6C>T in individuals affected with ZBTB7A-related conditions and no experimental evidence demonstrating its impact on protein function have been reported. No submitters have cited clinical-significance assessments for this variant to ClinVar. Based on the evidence outlined above, the variant was classified as uncertain significance.